The following is an entry in ClinVar:

ClinVar aggregate classification (germline): Uncertain significance (1 of 4 stars; one submission).

Conditions:
Ectodermal dysplasia and immunodeficiency 2. Identifiers: Orphanet 238468, Orphanet 98813, MedGen C2677481, MONDO:0012806, OMIM 612132.

Submission:

Labcorp Genetics (formerly Invitae), Labcorp
Classification: Uncertain significance for Ectodermal dysplasia and immunodeficiency 2. Last evaluated: 2021-03-03. Review status: criteria provided, single submitter. Criteria: Invitae Variant Classification Sherloc (09022015). Collection method: clinical testing. Allele origin: germline.
Comment: In summary, the available evidence is currently insufficient to determine the role of this variant in disease. Therefore, it has been classified as a Variant of Uncertain Significance. Algorithms developed to predict the effect of missense changes on protein structure and function (SIFT, PolyPhen-2, Align-GVGD) all suggest that this variant is likely to be tolerated, but these predictions have not been confirmed by published functional studies and their clinical significance is uncertain. This variant has not been reported in the literature in individuals with NFKBIA-related conditions. This variant is not present in population databases (ExAC no frequency). This sequence change replaces arginine with proline at codon 95 of the NFKBIA protein (p.Arg95Pro). The arginine residue is moderately conserved and there is a moderate physicochemical difference between arginine and proline.

NM_020529.3(NFKBIA):c.284G>C (p.Arg95Pro)

Gene: NFKBIA (NFKB inhibitor alpha; minus strand). Cytogenetic location: 14q13.2.
Variant type: single nucleotide variant.
Coding change: c.284G>C on transcript NM_020529.3 (MANE Select); coding-DNA position 284, G replaced by C.
Protein change: p.Arg95Pro; replaces arginine 95 with proline.
Molecular consequence: missense variant.
Genome position (GRCh38, 1-based): chr14:35,403,742, C>G on the plus strand (G>C on the coding strand, the complement: NFKBIA is on the minus strand). VCF-style: chr14-35403742-C-G. GRCh37 (hg19) VCF-style: chr14-35872948-C-G.
Other names: short protein forms R95P.
Identifiers: ClinVar variation 1376720 (VCV001376720.8), dbSNP rs1340746414, ClinGen allele CA389454335.